The following is an entry in ClinVar:

NM_000179.3(MSH6):c.1372dup (p.His458fs)

Gene: MSH6 (mutS homolog 6; plus strand). Cytogenetic location: 2p16.3.
Variant type: Duplication.
Coding change: c.1372dup on transcript NM_000179.3 (MANE Select); coding-DNA position 1372, one base duplicated (C; older notation c.1372dupC).
Protein change: p.His458fs; shifts the reading frame from histidine 458.
Molecular consequence: frameshift variant. On other transcripts: non-coding transcript variant (4), intron variant (1).
Genome position (GRCh38, 1-based): chr2:47,799,355, C duplicated; the last of 3 consecutive C bases (chr2:47,799,353-47,799,355); duplicating any one gives the same sequence. VCF-style (leftmost placement, unchanged base first): chr2-47799352-G-GC. GRCh37 (hg19) VCF-style: chr2-48026491-G-GC.
Other names: c.982dup, p.His328fs (NM_001281492.2); c.466dup, p.His156fs (NM_001281493.2, NM_001281494.2, NM_001406811.1 and 6 more transcripts); c.1468dup, p.His490fs (NM_001406795.1, NM_001406802.1); c.1372dup, p.His458fs (NM_001406796.1, NM_001406798.1, NM_001406800.1 and 4 more transcripts); c.1075dup, p.His359fs (NM_001406797.1, NM_001406801.1, NM_001406805.1 and 10 more transcripts); c.847dup, p.His283fs (NM_001406799.1, NM_001406806.1, NM_001406807.1); c.1294dup, p.His432fs (NM_001406804.1); c.1378dup, p.His460fs (NM_001406813.1); and 3 more; short protein forms H460fs, H156fs, H283fs, H328fs, H359fs, H432fs, H402fs, H458fs.
Identifiers: ClinVar variation 2453203 (VCV002453203.2), dbSNP rs2530605709, ClinGen allele CA2580067576.
Genomic context (GRCh38, chr2:47,799,352, plus strand): 5'-CACATGGATGCTCTTATTGGAGTCAGTGAACTGGGGCTGGTATTCATGAAAGGCAACTGG[G>GC]CCCATTCTGGCTTTCCTGAAATTGCATTTGGCCGTTATTCAGATTCCCTGGTGCAGAAGG-3'

ClinVar aggregate classification (germline): Pathogenic (1 of 4 stars; one submission).

Conditions:
Hereditary cancer-predisposing syndrome. Also called: Neoplastic Syndromes, Hereditary; Tumor predisposition; Hereditary neoplastic syndrome; Hereditary Cancer Syndrome. Identifiers: Orphanet 140162, MedGen C0027672, MeSH D009386, MONDO:0015356.

Submission:

Ambry Genetics
Classification: Pathogenic for Hereditary cancer-predisposing syndrome. Last evaluated: 2023-02-15. Review status: criteria provided, single submitter. Criteria: Ambry Variant Classification Scheme 2023. Collection method: clinical testing. Allele origin: germline.
Comment: The c.1372dupC pathogenic mutation, located in coding exon 4 of the MSH6 gene, results from a duplication of C at nucleotide position 1372, causing a translational frameshift with a predicted alternate stop codon (p.H458Pfs*6). This variant is considered to be rare based on population cohorts in the Genome Aggregation Database (gnomAD). This alteration is expected to result in loss of function by premature protein truncation or nonsense-mediated mRNA decay. As such, this alteration is interpreted as a disease-causing mutation.